The following is an entry in ClinVar:

NM_022168.4(IFIH1):c.929del (p.Pro310fs)

Gene: IFIH1 (interferon induced with helicase C domain 1; minus strand). Cytogenetic location: 2q24.2.
Variant type: Deletion.
Coding change: c.929del on transcript NM_022168.4 (MANE Select); coding-DNA position 929, one base deleted (C; older notation c.929delC).
Protein change: p.Pro310fs; shifts the reading frame from proline 310.
Molecular consequence: frameshift variant.
Genome position (GRCh38, 1-based): chr2:162,288,301, G deleted on the plus strand (C on the coding strand, the reverse complement: IFIH1 is on the minus strand); the first of 2 consecutive G bases (chr2:162,288,301-162,288,302); deleting either gives the same sequence. VCF-style (leftmost placement, unchanged base first): chr2-162288300-AG-A. GRCh37 (hg19) VCF-style: chr2-163144810-AG-A.
Other names: short protein forms P310fs.
Identifiers: ClinVar variation 1363529 (VCV001363529.7), dbSNP rs1212715492, ClinGen allele CA537507556.
Genomic context (GRCh38, chr2:162,288,300, plus strand): 5'-AGGGAGGCAGATGATGATATTCTTCCCTTCCAAGGCTGGCTGGGCAACTTCCATTTGGTA[AG>A]GCCTGAGCTGGAGTTCTGGCTCCGGGGATGCTCTTGCTGCCACATTCTCTTCATCTGAAG-3'

ClinVar aggregate classification (germline): Uncertain significance. Review status: criteria provided, multiple submitters, no conflicts (2 of 4 stars). 2 submissions from 2 submitters: Uncertain significance (2). Last evaluated 2023-06-27.

Conditions:
Singleton-Merten syndrome 1 (SGMRT1). Also called: Widened medullary cavities of bone, aortic calcification, abnormal dentition, and muscular weakness; Syndrome of widened medullary cavities of the metacarpals and phalanges, aortic calcification and abnormal dentition. Identifiers: Orphanet 85191, MedGen C4225427, MONDO:0024535, OMIM 182250.
Aicardi-Goutieres syndrome 7 (AGS7). Identifiers: Orphanet 51, MedGen C3888244, MONDO:0014367, OMIM 615846.
IFIH1-related type 1 interferonopathy. Identifiers: MedGen CN377548, MONDO:0700262.

Submissions (2):

Labcorp Genetics (formerly Invitae), Labcorp
Classification: Uncertain significance for Aicardi-Goutieres syndrome 7; Singleton-Merten syndrome 1. Last evaluated: 2023-06-27. Review status: criteria provided, single submitter. Criteria: Invitae Variant Classification Sherloc (09022015). Collection method: clinical testing. Allele origin: germline.
Comment: Experimental studies and prediction algorithms are not available or were not evaluated, and the functional significance of this variant is currently unknown. In summary, the available evidence is currently insufficient to determine the role of this variant in disease. Therefore, it has been classified as a Variant of Uncertain Significance. ClinVar contains an entry for this variant (Variation ID: 1363529). This variant has not been reported in the literature in individuals affected with IFIH1-related conditions. This variant is present in population databases (no rsID available, gnomAD 0.02%). This sequence change creates a premature translational stop signal (p.Pro310Leufs*38) in the IFIH1 gene. It is expected to result in an absent or disrupted protein product. However, the current clinical and genetic evidence is not sufficient to establish whether loss-of-function variants in IFIH1 cause disease.

Department of Pathology and Laboratory Medicine, Sinai Health System
Classification: Uncertain significance for IFIH1-related type 1 interferonopathy. Last evaluated: 2022-11-10. Review status: criteria provided, single submitter. Criteria: ACMG Guidelines, 2015. Collection method: research. Allele origin: germline.